The following is an entry in ClinVar:

NM_018965.4(TREM2):c.287C>A (p.Thr96Lys)

Gene: TREM2 (triggering receptor expressed on myeloid cells 2; minus strand). Cytogenetic location: 6p21.1.
Variant type: single nucleotide variant.
Coding change: c.287C>A on transcript NM_018965.4 (MANE Select); coding-DNA position 287, C replaced by A.
Protein change: p.Thr96Lys; replaces threonine 96 with lysine.
Molecular consequence: missense variant.
Genome position (GRCh38, 1-based): chr6:41,161,367, G>T on the plus strand (C>A on the coding strand, the complement: TREM2 is on the minus strand). VCF-style: chr6-41161367-G-T. GRCh37 (hg19) VCF-style: chr6-41129105-G-T.
Other names: c.287C>A (NM_018965.2); c.287C>A, p.Thr96Lys (NM_001271821.2); short protein forms T96K.
Identifiers: ClinVar variation 356678 (VCV000356678.23), dbSNP rs2234253, ClinGen allele CA3798933.
Genomic context (GRCh38, chr6:41,161,367, plus strand): 5'-CTGCCATGGAGGCTCTGGCACTGGTAGAGACCCGCATCATGGGGTTGTAGATTCCGCAGC[G>T]TAATGGTGAGAGTGCCACCCAGGGTATCGTCTGTGATGGCTGTGCTCCCATTCCACCTCC-3'
Protein context (NP_061838.1, residues 86-106): DDTLGGTLTI[Thr96Lys]LRNLQPHDAG

ClinVar aggregate classification (germline): Benign/Likely benign. Review status: criteria provided, multiple submitters, no conflicts (2 of 4 stars). 8 submissions from 8 submitters: Benign (5); Likely benign (1). 2 of the submissions do not count toward it. Last evaluated 2026-02-01.

Allele frequency attached by ClinVar (database versions not stated): ESP Exome Variant Server 0.03921; 1000 Genomes Project 0.04093; 1000 Genomes Project 30x 0.04107; TOPMed 0.04239.
gnomAD v4.1: 11,749 of 1,614,204 alleles (0.73%); highest among the groups gnomAD compares: African/African-American, 12%; 623 homozygotes.

Submissions (8):

Labcorp Genetics (formerly Invitae), Labcorp
Classification: Benign. Last evaluated: 2026-02-01. Review status: criteria provided, single submitter. Criteria: Invitae Variant Classification Sherloc (09022015). Collection method: clinical testing. Allele origin: germline.

Mayo Clinic Laboratories, Mayo Clinic
Classification: Benign. Last evaluated: 2023-03-10. Review status: criteria provided, single submitter. Criteria: ACMG Guidelines, 2015. Collection method: clinical testing. Allele origin: germline. Observed: 5 variant alleles.
Comment: BA1

GeneDx
Classification: Benign. Last evaluated: 2020-03-14. Review status: criteria provided, single submitter. Criteria: GeneDx Variant Classification Process June 2021. Collection method: clinical testing. Allele origin: germline. Affected: yes.
Comment: This variant is associated with the following publications: (PMID: 25042114, 28430856, 28789839, 29723869)

Eurofins Ntd Llc (ga)
Classification: Benign. Last evaluated: 2016-11-22. Review status: criteria provided, single submitter. Criteria: EGL Classification Definitions 2015. Collection method: clinical testing. Allele origin: germline. Observed: 1 variant allele, 1 heterozygote.

Center for Pediatric Genomic Medicine, Children's Mercy Hospital and Clinics
Classification: Benign. Last evaluated: 2016-09-12. Review status: criteria provided, single submitter. Criteria: ACMG Guidelines, 2015. Collection method: clinical testing. Allele origin: germline.

Breakthrough Genomics
Classification: Likely benign. Review status: criteria provided, single submitter. Criteria: ACMG Guidelines, 2015. Collection method: not provided. Allele origin: germline. Inheritance: Autosomal recessive inheritance. Affected: yes.

Genome Diagnostics Laboratory, Amsterdam University Medical Center
Classification: Benign. Review status: no assertion criteria provided. Collection method: clinical testing. Allele origin: germline. Affected: yes. Study: VKGL Data-share Consensus. Not counted in ClinVar's aggregate classification.

Laboratory of Diagnostic Genome Analysis, Leiden University Medical Center (LUMC)
Classification: Likely benign. Review status: no assertion criteria provided. Collection method: clinical testing. Allele origin: germline. Affected: yes. Study: VKGL Data-share Consensus. Not counted in ClinVar's aggregate classification.